The following is an entry in ClinVar:

ClinVar aggregate classification (germline): Pathogenic/Likely pathogenic. Review status: criteria provided, multiple submitters, no conflicts (2 of 4 stars). 3 submissions from 3 submitters: Pathogenic (2); Likely pathogenic (1). Last evaluated 2026-03-27.

Conditions:
Smith-Lemli-Opitz syndrome (SLOS). Also called: LETHAL ACRODYSGENITAL SYNDROME; POLYDACTYLY, SEX REVERSAL, RENAL HYPOPLASIA, AND UNILOBAR LUNG; RSH SYNDROME; RUTLEDGE LETHAL MULTIPLE CONGENITAL ANOMALY SYNDROME; 7-Dehydrocholesterol reductase deficiency. Identifiers: Orphanet 818, MedGen C0175694, MONDO:0010035, OMIM 270400.

Submissions (3):

Victorian Clinical Genetics Services, Murdoch Childrens Research Institute
Classification: Pathogenic for Smith-Lemli-Opitz syndrome. Last evaluated: 2026-03-27. Review status: criteria provided, single submitter. Criteria: ACMG Guidelines, 2015. Collection method: clinical testing. Allele origin: germline. Affected: no.
Comment: This variant is classified as Pathogenic. Evidence in support of pathogenic classification: Variant is predicted to cause nonsense-mediated decay (NMD) and loss of protein (premature termination codon is located at least 54 nucleotides upstream of the final exon-exon junction); Variant is present in gnomAD <0.01 for a recessive condition (v4: 2 heterozygote(s), 0 homozygote(s)); This variant has limited previous evidence of pathogenicity in an unrelated individual(s). It has been reported as pathogenic by a clinical laboratory (ClinVar); Other NMD-predicted variant(s) comparable to the one identified in this case have very strong previous evidence for pathogenicity (DECIPHER). Additional information: This variant is heterozygous; This gene is associated with autosomal recessive disease; No published evidence of segregation with disease has been identified for this variant; No published functional evidence has been identified for this variant; Loss of function is a known mechanism of disease in this gene and is associated with Smith-Lemli-Opitz syndrome (MIM#270400); Variants in this gene are known to have variable expressivity. Exceptionally mild and severe cases have been reported, with intra and interfamilial variable expressivity (PMID: 35305950).

Natera, Inc.
Classification: Likely pathogenic for Smith-Lemli-Opitz syndrome. Last evaluated: 2024-12-13. Review status: criteria provided, single submitter. Criteria: Natera Variant Classification Schema (03/2026). Collection method: clinical testing. Allele origin: germline.
Comment: The c.600C>G variant in DHCR7 is a nonsense variant predicted to introduce a stop codon at amino acid 200. This variant is expected to result in nonsense mediated decay, truncation, or a dysfunctional protein product. This variant is rare in the general population with a frequency below the threshold expected for the associated phenotype(s). Given the available evidence, this variant is classified as Likely Pathogenic.

Labcorp Genetics (formerly Invitae), Labcorp
Classification: Pathogenic for Smith-Lemli-Opitz syndrome. Last evaluated: 2020-10-14. Review status: criteria provided, single submitter. Criteria: Invitae Variant Classification Sherloc (09022015). Collection method: clinical testing. Allele origin: germline.
Comment: For these reasons, this variant has been classified as Pathogenic. Loss-of-function variants in DHCR7 are known to be pathogenic (PMID: 9634533, 10677299). This variant has not been reported in the literature in individuals with DHCR7-related conditions. This variant is not present in population databases (ExAC no frequency). This sequence change creates a premature translational stop signal (p.Tyr200*) in the DHCR7 gene. It is expected to result in an absent or disrupted protein product.

Literature cited by the submitters: PubMed 35305950 (cited by Victorian Clinical Genetics Services, Murdoch Childrens Research Institute); PubMed 9634533 (cited by Labcorp Genetics (formerly Invitae), Labcorp); PubMed 10677299 (cited by Labcorp Genetics (formerly Invitae), Labcorp).

NM_001360.3(DHCR7):c.600C>G (p.Tyr200Ter)

Gene: DHCR7 (7-dehydrocholesterol reductase; minus strand). Cytogenetic location: 11q13.4.
Variant type: single nucleotide variant.
Coding change: c.600C>G on transcript NM_001360.3 (MANE Select); coding-DNA position 600, C replaced by G.
Protein change: p.Tyr200Ter; replaces tyrosine 200 with a stop codon.
Molecular consequence: nonsense.
Genome position (GRCh38, 1-based): chr11:71,441,253, G>C on the plus strand (C>G on the coding strand, the complement: DHCR7 is on the minus strand). VCF-style: chr11-71441253-G-C. GRCh37 (hg19) VCF-style: chr11-71152299-G-C.
Other names: c.600C>G, p.Tyr200Ter (NM_001163817.2); c.600C>G (NM_001360.2); short protein forms Y200*.
Identifiers: ClinVar variation 1076413 (VCV001076413.10), dbSNP rs2135944550, ClinGen allele CA381694339.
Genomic context (GRCh38, chr11:71,441,253, plus strand): 5'-CTACATCAGGCTGGACCCGCTGCTAAGAACATACCAGTCTCTGGCGCTGGTGGGGAAGAA[G>C]TAGCCCTTGACCATGGCGAAGGTGGAGACGGCATAGCCAAGGATGTTGGCGCACCACAGC-3'